The following is an entry in ClinVar:

ClinVar aggregate classification (germline): Benign/Likely benign. Review status: criteria provided, multiple submitters, no conflicts (2 of 4 stars). 3 submissions from 3 submitters: Benign (1); Likely benign (2). Last evaluated 2024-07-23.

Conditions:
Hereditary cancer-predisposing syndrome. Also called: Tumor predisposition; Hereditary neoplastic syndrome; Neoplastic Syndromes, Hereditary; Hereditary Cancer Syndrome. Identifiers: Orphanet 140162, MedGen C0027672, MeSH D009386, MONDO:0015356.
Familial cancer of breast. Also called: Hereditary breast cancer; BREAST CANCER, FAMILIAL; hereditary breast carcinoma. Identifiers: Orphanet 227535, MedGen C0346153, MONDO:0016419, OMIM 114480. Disease mechanism: loss of function.

Allele frequency attached by ClinVar (database versions not stated): gnomAD exomes below 0.00001.
gnomAD v4.1: 2 of 1,612,986 alleles (0.00012%); highest among the groups gnomAD compares: Non-Finnish European, 0.00017%; no homozygotes.

Submissions (3):

Myriad Genetics, Inc.
Classification: Benign for Familial cancer of breast. Last evaluated: 2024-07-23. Review status: criteria provided, single submitter. Criteria: Myriad Autosomal Dominant, Autosomal Recessive and X-Linked Classification Criteria (2023). Collection method: clinical testing. Allele origin: unknown.
Comment: This variant is considered benign. This variant is a silent/synonymous amino acid change and it is not expected to impact splicing.

Labcorp Genetics (formerly Invitae), Labcorp
Classification: Likely benign for Familial cancer of breast. Last evaluated: 2020-12-18. Review status: criteria provided, single submitter. Criteria: Invitae Variant Classification Sherloc (09022015). Collection method: clinical testing. Allele origin: germline.

Ambry Genetics
Classification: Likely benign for Hereditary cancer-predisposing syndrome. Last evaluated: 2019-08-31. Review status: criteria provided, single submitter. Criteria: Ambry Variant Classification Scheme 2023. Collection method: clinical testing. Allele origin: germline.

NM_000465.4(BARD1):c.870C>T (p.Asp290=)

Gene: BARD1 (BRCA1 associated RING domain 1; minus strand). Cytogenetic location: 2q35.
Variant type: single nucleotide variant.
Coding change: c.870C>T on transcript NM_000465.4 (MANE Select); coding-DNA position 870, C replaced by T.
Protein change: p.Asp290=; no amino-acid change (aspartic acid 290 retained).
Molecular consequence: synonymous variant. On other transcripts: non-coding transcript variant (2), intron variant (3).
Genome position (GRCh38, 1-based): chr2:214,781,004, G>A on the plus strand (C>T on the coding strand, the complement: BARD1 is on the minus strand). VCF-style: chr2-214781004-G-A. GRCh37 (hg19) VCF-style: chr2-215645728-G-A.
Other names: c.813C>T, p.Asp271= (NM_001282543.2); c.158+28408C>T (NM_001282548.2); c.215+16057C>T (NM_001282545.2); c.364+11293C>T (NM_001282549.2).
Identifiers: ClinVar variation 1662880 (VCV001662880.12), dbSNP rs1694985290, ClinGen allele CA431391816.
Genomic context (GRCh38, chr2:214,781,004, plus strand): 5'-AGATGTAAGATAATTTTTGCAGACCTTCTCAGGAGTCACTACTTCATTCCTGCTCTTAGT[G>A]TCTGGAGACTCTATTTGCTCAGCCAATGGTAAAGAGACTTCAGTTAAACTTCCAAAACAT-3'
Protein context (NP_000456.2, residues 280-300): LPLAEQIESP[Asp290=]TKSRNEVVTP